The following is an entry in ClinVar:

NM_000059.4(BRCA2):c.5085A>C (p.Glu1695Asp)

Gene: BRCA2 (BRCA2 DNA repair associated; plus strand). Cytogenetic location: 13q13.1.
Variant type: single nucleotide variant.
Coding change: c.5085A>C on transcript NM_000059.4 (MANE Select); coding-DNA position 5085, A replaced by C.
Protein change: p.Glu1695Asp; replaces glutamic acid 1695 with aspartic acid.
Molecular consequence: missense variant.
Genome position (GRCh38, 1-based): chr13:32,339,440, A>C. VCF-style: chr13-32339440-A-C. GRCh37 (hg19) VCF-style: chr13-32913577-A-C.
Other names: c.5085A>C, p.Glu1695Asp (NM_001406719.1, NM_001406720.1); short protein forms E1695D.
Identifiers: ClinVar variation 1745240 (VCV001745240.4), dbSNP rs2137513857, ClinGen allele CA387784087.

ClinVar aggregate classification (germline): Conflicting classifications of pathogenicity. Review status: criteria provided, conflicting classifications (1 of 4 stars). 2 submissions from 2 submitters: Uncertain significance (1); Likely benign (1). Last evaluated 2023-03-23.

Conditions:
Hereditary cancer-predisposing syndrome. Also called: Hereditary Cancer Syndrome; Neoplastic Syndromes, Hereditary; Tumor predisposition; Hereditary neoplastic syndrome. Identifiers: Orphanet 140162, MedGen C0027672, MeSH D009386, MONDO:0015356.

Submissions (2):

University of Washington Department of Laboratory Medicine, University of Washington
Classification: Likely benign for Hereditary cancer-predisposing syndrome. Last evaluated: 2023-03-23. Review status: criteria provided, single submitter. Criteria: Dines et al. (Genet Med. 2020). Collection method: curation. Allele origin: germline.
Comment: Missense variant in a coldspot region where missense variants are very unlikely to be pathogenic (PMID:31911673).

BRCA2 exon 11 coldspot. Reclassification based on statistical prior probability.

Ambry Genetics
Classification: Uncertain significance for Hereditary cancer-predisposing syndrome. Last evaluated: 2021-11-13. Review status: criteria provided, single submitter. Criteria: Ambry Variant Classification Scheme 2023. Collection method: clinical testing. Allele origin: germline.
Comment: The p.E1695D variant (also known as c.5085A>C), located in coding exon 10 of the BRCA2 gene, results from an A to C substitution at nucleotide position 5085. The glutamic acid at codon 1695 is replaced by aspartic acid, an amino acid with highly similar properties. This amino acid position is conserved. In addition, the in silico prediction for this alteration is inconclusive. Since supporting evidence is limited at this time, the clinical significance of this alteration remains unclear.